The following is an entry in ClinVar:

ClinVar aggregate classification (germline): Uncertain significance. Review status: criteria provided, multiple submitters, no conflicts (2 of 4 stars). 2 submissions from 2 submitters: Uncertain significance (2). Last evaluated 2025-03-04.

Conditions:
Inborn genetic diseases. Identifiers: MedGen C0950123, MeSH D030342.

Allele frequency attached by ClinVar (database versions not stated): gnomAD exomes below 0.00001.
gnomAD v4.1: 5 of 1,613,682 alleles (0.00031%); highest among the groups gnomAD compares: Non-Finnish European, 0.00034%; no homozygotes.

Submissions (2):

GeneDx
Classification: Uncertain significance. Last evaluated: 2025-03-04. Review status: criteria provided, single submitter. Criteria: GeneDx Variant Classification Process June 2021. Collection method: clinical testing. Allele origin: germline. Affected: yes.
Comment: Not observed at significant frequency in large population cohorts (gnomAD); In silico analysis supports that this missense variant has a deleterious effect on protein structure/function; Has not been previously published as pathogenic or benign to our knowledge

Ambry Genetics
Classification: Uncertain significance for Inborn genetic diseases. Last evaluated: 2015-09-18. Review status: criteria provided, single submitter. Criteria: Ambry exome assertion method (8-5-2015). Collection method: clinical testing. Allele origin: germline. Affected: yes. Observed: 1 variant allele.

NM_004793.4(LONP1):c.374C>T (p.Pro125Leu)

Genes: LONP1 (lon peptidase 1, mitochondrial; minus strand), LOC130063270 (ATAC-STARR-seq lymphoblastoid silent region 9931; plus strand). Cytogenetic location: 19p13.3.
Variant type: single nucleotide variant.
Coding change: c.374C>T on transcript NM_004793.4 (MANE Select); coding-DNA position 374, C replaced by T.
Protein change: p.Pro125Leu; replaces proline 125 with leucine.
Molecular consequence: missense variant. On other transcripts: non-coding transcript variant (1), intron variant (1).
Genome position (GRCh38, 1-based): chr19:5,719,759, G>A on the plus strand (C>T on the coding strand, the complement: LONP1 is on the minus strand). VCF-style: chr19-5719759-G-A. GRCh37 (hg19) VCF-style: chr19-5719770-G-A.
Other names: c.374C>T (NM_004793.3); c.182C>T, p.Pro61Leu (NM_001276479.2); c.-160+460C>T (NM_001276480.1); short protein forms P125L, P61L.
Identifiers: ClinVar variation 520763 (VCV000520763.5), dbSNP rs1555714925, ClinGen allele CA403543443.